The following is an entry in ClinVar:

ClinVar aggregate classification (germline): Uncertain significance. Review status: criteria provided, multiple submitters, no conflicts (2 of 4 stars). 2 submissions from 2 submitters: Uncertain significance (2). Last evaluated 2021-06-14.

Conditions:
Autosomal recessive distal spinal muscular atrophy 1. Also called: SEVERE INFANTILE AXONAL NEUROPATHY WITH RESPIRATORY FAILURE; Spinal muscular atrophy with respiratory distress 1; HMN VI; NEURONOPATHY, SEVERE INFANTILE AXONAL, WITH RESPIRATORY FAILURE; SPINAL MUSCULAR ATROPHY, DIAPHRAGMATIC; NEURONOPATHY, DISTAL HEREDITARY MOTOR, HARDING TYPE VI. Identifiers: Orphanet 98920, MedGen C1858517, MONDO:0011436, OMIM 604320.
Charcot-Marie-Tooth disease axonal type 2S. Also called: CHARCOT-MARIE-TOOTH NEUROPATHY, TYPE 2S; CHARCOT-MARIE-TOOTH DISEASE, AXONAL, AUTOSOMAL RECESSIVE, TYPE 2S. Identifiers: Orphanet 443073, MedGen C4015349, MONDO:0014511, OMIM 616155.

Allele frequency attached by ClinVar (database versions not stated): gnomAD exomes below 0.00001; TOPMed below 0.00001.
gnomAD v4.1: 2 of 1,613,592 alleles (0.00012%); highest among the groups gnomAD compares: Non-Finnish European, 0.00017%; no homozygotes.

Submissions (2):

Labcorp Genetics (formerly Invitae), Labcorp
Classification: Uncertain significance for Autosomal recessive distal spinal muscular atrophy 1; Charcot-Marie-Tooth disease axonal type 2S. Last evaluated: 2021-06-14. Review status: criteria provided, single submitter. Criteria: Invitae Variant Classification Sherloc (09022015). Collection method: clinical testing. Allele origin: germline.
Comment: Algorithms developed to predict the effect of missense changes on protein structure and function are either unavailable or do not agree on the potential impact of this missense change (SIFT: "Tolerated"; PolyPhen-2: "Probably Damaging"; Align-GVGD: "Class C0"). In summary, the available evidence is currently insufficient to determine the role of this variant in disease. Therefore, it has been classified as a Variant of Uncertain Significance. This variant has not been reported in the literature in individuals with IGHMBP2-related conditions. This variant is not present in population databases (ExAC no frequency). This sequence change replaces glutamic acid with alanine at codon 322 of the IGHMBP2 protein (p.Glu322Ala). The glutamic acid residue is moderately conserved and there is a moderate physicochemical difference between glutamic acid and alanine.

Revvity Omics, Revvity
Classification: Uncertain significance. Last evaluated: 2019-04-25. Review status: criteria provided, single submitter. Criteria: ACMG Guidelines, 2015. Collection method: clinical testing. Allele origin: germline.

NM_002180.3(IGHMBP2):c.965A>C (p.Glu322Ala)

Gene: IGHMBP2 (immunoglobulin mu DNA binding protein 2; plus strand). Cytogenetic location: 11q13.3.
Variant type: single nucleotide variant.
Coding change: c.965A>C on transcript NM_002180.3 (MANE Select); coding-DNA position 965, A replaced by C.
Protein change: p.Glu322Ala; replaces glutamic acid 322 with alanine.
Molecular consequence: missense variant.
Genome position (GRCh38, 1-based): chr11:68,917,788, A>C. VCF-style: chr11-68917788-A-C. GRCh37 (hg19) VCF-style: chr11-68685256-A-C.
Other names: c.965A>C (NM_002180.2); short protein forms E322A.
Identifiers: ClinVar variation 1044142 (VCV001044142.11), dbSNP rs1858726463, ClinGen allele CA381644834.
Genomic context (GRCh38, chr11:68,917,788, plus strand): 5'-CTTTATAGGTGAAAAACAAAAAGACCCAGGATAAGAGAGAGAAAAGTAATTTTCGAAATG[A>C]AATTAAGCTGTTAAGAAAAGAACTGAAGGAGAGGGAAGAAGCAGCTATGCTCGAGAGCCT-3'
Protein context (NP_002171.2, residues 312-332): DKREKSNFRN[Glu322Ala]IKLLRKELKE